The following is an entry in ClinVar:

NM_080425.4(GNAS):c.927C>T (p.Phe309=)

Gene: GNAS (GNAS complex locus; plus strand). Cytogenetic location: 20q13.32.
Variant type: single nucleotide variant.
Coding change: c.927C>T on transcript NM_080425.4 (MANE Plus Clinical); coding-DNA position 927, C replaced by T.
Protein change: p.Phe309=; no amino-acid change (phenylalanine 309 retained).
Molecular consequence: synonymous variant. On other transcripts: missense variant (2), intron variant (3).
Genome position (GRCh38, 1-based): chr20:58,854,192, C>T. VCF-style: chr20-58854192-C-T. GRCh37 (hg19) VCF-style: chr20-57429247-C-T.
Other names: c.740C>T, p.Ser247Leu (NM_001077490.3, NM_001309883.1); c.927C>T, p.Phe309= (NM_001410913.1); c.*42+13306C>T (NM_016592.5); c.43+13306C>T (NM_001410912.1); c.-39+12317C>T (NM_001309861.2); short protein forms S247L.
Identifiers: ClinVar variation 2760187 (VCV002760187.4), dbSNP rs777431088, ClinGen allele CA9926581.

ClinVar aggregate classification (germline): Benign. Review status: criteria provided, single submitter (1 of 4 stars). 2 submissions from 2 submitters: Benign (1). 1 of the submissions does not count toward it. Last evaluated 2023-10-11.

Conditions:
GNAS-related disorder. Identifiers: MedGen CN380105.

Allele frequency attached by ClinVar (database versions not stated): TOPMed 0.00005; 1000 Genomes Project 30x 0.00016; gnomAD exomes 0.00001; gnomAD 0.00003; ExAC 0.00009.
gnomAD v4.1: 15 of 1,613,118 alleles (0.00093%); highest among the groups gnomAD compares: East Asian, 0.025%; no homozygotes.

Submissions (2):

Labcorp Genetics (formerly Invitae), Labcorp
Classification: Benign. Last evaluated: 2023-10-11. Review status: criteria provided, single submitter. Criteria: Invitae Variant Classification Sherloc (09022015). Collection method: clinical testing. Allele origin: germline.

PreventionGenetics, part of Exact Sciences
Classification: Likely benign for GNAS-related condition. Last evaluated: 2022-08-04. Review status: no assertion criteria provided. Collection method: clinical testing. Allele origin: germline. Not counted in ClinVar's aggregate classification.
Comment: This variant is classified as likely benign based on ACMG/AMP sequence variant interpretation guidelines (Richards et al. 2015 PMID: 25741868, with internal and published modifications).